The following is an entry in ClinVar:

ClinVar aggregate classification (germline): Uncertain significance (1 of 4 stars; one submission).

Conditions:
Developmental and epileptic encephalopathy, 23 (DEE23). Also called: Epileptic encephalopathy, early infantile, 23. Identifiers: Orphanet 411986, MedGen C4014492, MONDO:0014371, OMIM 615859.

Allele frequency attached by ClinVar (database versions not stated): gnomAD 0.00001; TOPMed 0.00004; ExAC 0.00001; gnomAD exomes below 0.00001.
gnomAD v4.1: 10 of 1,612,234 alleles (0.00062%); highest among the groups gnomAD compares: East Asian, 0.0022%; no homozygotes.

Submission:

Labcorp Genetics (formerly Invitae), Labcorp
Classification: Uncertain significance for Developmental and epileptic encephalopathy, 23. Last evaluated: 2022-07-25. Review status: criteria provided, single submitter. Criteria: Invitae Variant Classification Sherloc (09022015). Collection method: clinical testing. Allele origin: germline.
Comment: This sequence change replaces arginine, which is basic and polar, with histidine, which is basic and polar, at codon 314 of the DOCK7 protein (p.Arg314His). This variant is present in population databases (rs749097666, gnomAD 0.006%). This variant has not been reported in the literature in individuals affected with DOCK7-related conditions. ClinVar contains an entry for this variant (Variation ID: 843779). Algorithms developed to predict the effect of missense changes on protein structure and function are either unavailable or do not agree on the potential impact of this missense change (SIFT: "Tolerated"; PolyPhen-2: "Possibly Damaging"; Align-GVGD: "Class C0"). In summary, the available evidence is currently insufficient to determine the role of this variant in disease. Therefore, it has been classified as a Variant of Uncertain Significance.

NM_001367561.1(DOCK7):c.941G>A (p.Arg314His)

Gene: DOCK7 (dedicator of cytokinesis 7; minus strand). Cytogenetic location: 1p31.3.
Variant type: single nucleotide variant.
Coding change: c.941G>A on transcript NM_001367561.1 (MANE Select); coding-DNA position 941, G replaced by A.
Protein change: p.Arg314His; replaces arginine 314 with histidine.
Molecular consequence: missense variant.
Genome position (GRCh38, 1-based): chr1:62,634,867, C>T on the plus strand (G>A on the coding strand, the complement: DOCK7 is on the minus strand). VCF-style: chr1-62634867-C-T. GRCh37 (hg19) VCF-style: chr1-63100538-C-T.
Other names: c.941G>A, p.Arg314His (NM_001271999.2, NM_001272000.2, NM_001272001.2 and 3 more transcripts); short protein forms R314H.
Identifiers: ClinVar variation 843779 (VCV000843779.7), dbSNP rs749097666, ClinGen allele CA887068.